The following is an entry in ClinVar:

ClinVar aggregate classification (germline): Uncertain significance (1 of 4 stars; one submission).

Conditions:
Chuvash polycythemia. Also called: POLYCYTHEMIA, VHL-DEPENDENT. Identifiers: Orphanet 238557, MedGen C1837915, MONDO:0009892, OMIM 263400.
Von Hippel-Lindau syndrome (VHLS). Also called: VHL syndrome; von Hippel–Lindau syndrome; Von Hippel-Lindau. Identifiers: Orphanet 892, MedGen C0019562, MONDO:0008667, OMIM 193300. Disease mechanism: loss of function.

Submission:

Labcorp Genetics (formerly Invitae), Labcorp
Classification: Uncertain significance for Von Hippel-Lindau syndrome; Chuvash polycythemia. Last evaluated: 2020-02-14. Review status: criteria provided, single submitter. Criteria: Invitae Variant Classification Sherloc (09022015). Collection method: clinical testing. Allele origin: germline.
Comment: In summary, the available evidence is currently insufficient to determine the role of this variant in disease. Therefore, it has been classified as a Variant of Uncertain Significance. Downstream of the known ATG start site, the nearest methionine codon that can be used to initiate translation of the VHL protein lies at codon 54. Several studies have shown that the VHL protein created from this downstream methionine is biologically active, and exhibits properties similar to the full-length, wild-type protein (PMID: 9671762, 9751722, 10102622). Based on these results, the impact of this variant on VHL protein function is uncertain. This variant has not been reported in the literature in individuals with VHL-related conditions. The frequency data for this variant in the population databases is considered unreliable, as metrics indicate insufficient coverage at this position in the ExAC database. This sequence change results in a premature translational stop signal in the VHL gene p.Ala18Glnfs*49. It is unclear whether it will result in an absent or disrupted protein product because a highly conserved, in-frame methionine located at codon 54 has the potential to rescue this truncating variant.

Literature cited by the submitters: PubMed 9671762; PubMed 9751722; PubMed 10102622.

NM_000551.4(VHL):c.52del (p.Ala18fs)

Gene: VHL (von Hippel-Lindau tumor suppressor; plus strand). Cytogenetic location: 3p25.3.
Variant type: Deletion.
Coding change: c.52del on transcript NM_000551.4 (MANE Select); coding-DNA position 52, one base deleted (G; older notation c.52delG).
Protein change: p.Ala18fs; shifts the reading frame from alanine 18.
Molecular consequence: frameshift variant.
Genome position (GRCh38, 1-based): chr3:10,141,899, G deleted; the last of 2 consecutive G bases (chr3:10,141,898-10,141,899); deleting either gives the same sequence. VCF-style (leftmost placement, unchanged base first): chr3-10141897-AG-A. GRCh37 (hg19) VCF-style: chr3-10183581-AG-A.
Other names: c.52del, p.Ala18fs (NM_001354723.2, NM_198156.3); short protein forms A18fs.
Identifiers: ClinVar variation 863464 (VCV000863464.10), dbSNP rs1696117244, ClinGen allele CA916081408.